The following is an entry in ClinVar:

ClinVar aggregate classification (germline): Likely benign. Review status: criteria provided, multiple submitters, no conflicts (2 of 4 stars). 3 submissions from 3 submitters: Likely benign (3). Last evaluated 2026-06-22.

Conditions:
Retinoblastoma (RB1). Also called: RETINOBLASTOMA, SOMATIC. Identifiers: Orphanet 790, MedGen C0035335, MeSH D012175, MONDO:0008380, OMIM 180200, HP:0009919. Disease mechanism: loss of function. Inheritance: Both sporadic and heritable forms are tested..

Allele frequency attached by ClinVar (database versions not stated): ExAC 0.00002; ESP Exome Variant Server 0.00008; gnomAD 0.00005 and 0.00006; gnomAD exomes 0.00001; TOPMed 0.00008.
gnomAD v4.1: 24 of 1,613,698 alleles (0.0015%); highest among the groups gnomAD compares: African/African-American, 0.015%; no homozygotes.

Submissions (3):

Myriad Genetics, Inc.
Classification: Likely benign for Retinoblastoma. Last evaluated: 2026-06-22. Review status: criteria provided, single submitter. Criteria: Myriad Autosomal Dominant, Autosomal Recessive and X-Linked Classification Criteria (2023). Collection method: clinical testing. Allele origin: unknown.
Comment: This variant is considered likely benign. This variant is intronic and is not expected to impact mRNA splicing.

Labcorp Genetics (formerly Invitae), Labcorp
Classification: Likely benign for Retinoblastoma. Last evaluated: 2026-02-03. Review status: criteria provided, single submitter. Criteria: Invitae Variant Classification Sherloc (09022015). Collection method: clinical testing. Allele origin: germline.

Genetic Diagnostic Laboratory, University of Pennsylvania School of Medicine
Classification: Likely benign for Retinoblastoma. Last evaluated: 2024-05-20. Review status: criteria provided, single submitter. Criteria: ACMG Guidelines, 2015. Collection method: clinical testing. Allele origin: germline. Affected: yes. Observed: 1 variant allele.
Comment: Case and Pedigree Information: BILATERAL CASES:0, UNILATERAL CASES:1, TOTAL CASES:1, PEDIGREES:1. ACMG Codes Applied:BS1, BP4

NM_000321.3(RB1):c.1815-12A>G

Gene: RB1 (RB transcriptional corepressor 1; plus strand). Cytogenetic location: 13q14.2.
Variant type: single nucleotide variant.
Coding change: c.1815-12A>G on transcript NM_000321.3 (MANE Select); 12 bases into the intron before coding-DNA position 1815, A replaced by G.
Molecular consequence: intron variant.
Genome position (GRCh38, 1-based): chr13:48,456,192, A>G. VCF-style: chr13-48456192-A-G. GRCh37 (hg19) VCF-style: chr13-49030328-A-G.
Identifiers: ClinVar variation 1581970 (VCV001581970.10), dbSNP rs370482884, ClinGen allele CA032705.